The following is an entry in ClinVar:

ClinVar aggregate classification (germline): Benign/Likely benign. Review status: criteria provided, multiple submitters, no conflicts (2 of 4 stars). 4 submissions from 4 submitters: Benign (1); Likely benign (1). 2 of the submissions do not count toward it. Last evaluated 2026-01-26.

Conditions:
COL7A1-related disorder. Also called: COL7A1- related disorders; COL7A1-related condition.
Epidermolysis bullosa dystrophica inversa, autosomal recessive. Identifiers: MedGen C2673612.

Allele frequency attached by ClinVar (database versions not stated): TOPMed 0.00030; ESP Exome Variant Server 0.00031; gnomAD 0.00035; 1000 Genomes Project 30x 0.00062; ExAC 0.00079; 1000 Genomes Project 0.00080.
gnomAD v4.1: 887 of 1,614,168 alleles (0.055%); highest among the groups gnomAD compares: South Asian, 0.25%; 4 homozygotes.

Submissions (4):

Labcorp Genetics (formerly Invitae), Labcorp
Classification: Benign. Last evaluated: 2026-01-26. Review status: criteria provided, single submitter. Criteria: Invitae Variant Classification Sherloc (09022015). Collection method: clinical testing. Allele origin: germline.

Blueprint Genetics
Classification: Likely benign. Last evaluated: 2024-10-24. Review status: criteria provided, single submitter. Criteria: ACMG Guidelines, 2015. Collection method: clinical testing. Allele origin: germline.

PreventionGenetics, part of Exact Sciences
Classification: Likely benign for COL7A1-related condition. Last evaluated: 2023-12-15. Review status: no assertion criteria provided. Collection method: clinical testing. Allele origin: germline. Not counted in ClinVar's aggregate classification.
Comment: This variant is classified as likely benign based on ACMG/AMP sequence variant interpretation guidelines (Richards et al. 2015 PMID: 25741868, with internal and published modifications).

Natera, Inc.
Classification: Benign for Autosomal recessive epidermolysis bullosa dystrophica inversa. Last evaluated: 2020-09-16. Review status: no assertion criteria provided. Collection method: clinical testing. Allele origin: germline. Not counted in ClinVar's aggregate classification.

NM_000094.4(COL7A1):c.1836G>T (p.Thr612=)

Gene: COL7A1 (collagen type VII alpha 1 chain; minus strand). Cytogenetic location: 3p21.31.
Variant type: single nucleotide variant.
Coding change: c.1836G>T on transcript NM_000094.4 (MANE Select); coding-DNA position 1836, G replaced by T.
Protein change: p.Thr612=; no amino-acid change (threonine 612 retained).
Molecular consequence: synonymous variant.
Genome position (GRCh38, 1-based): chr3:48,590,529, C>A on the plus strand (G>T on the coding strand, the complement: COL7A1 is on the minus strand). VCF-style: chr3-48590529-C-A. GRCh37 (hg19) VCF-style: chr3-48627962-C-A.
Identifiers: ClinVar variation 738691 (VCV000738691.14), dbSNP rs151186709, ClinGen allele CA2381094.
Genomic context (GRCh38, chr3:48,590,529, plus strand): 5'-GCTCCAGCTAATCCGAAATCCACTGGCTCCAGGGACGGGTCCCCAGGCCACCCTCACTCG[C>A]GTTGCATCTGACACCACAACCCGCAGCCCTGGAACAGCAAGTGGAGTTTCCGGCTCTAGG-3'
Protein context (NP_000085.1, residues 602-622): PGLRVVVSDA[Thr612=]RVRVAWGPVP